The following is an entry in ClinVar:

ClinVar aggregate classification (germline): Likely benign (1 of 4 stars; one submission).

Allele frequency attached by ClinVar (database versions not stated): TOPMed 0.00005; gnomAD exomes 0.00010; gnomAD 0.00027; 1000 Genomes Project 30x 0.00250; 1000 Genomes Project 0.00280.

Submission:

CeGaT Center for Human Genetics Tuebingen
Classification: Likely benign. Last evaluated: 2026-07-01. Review status: criteria provided, single submitter. Criteria: CeGaT Center For Human Genetics Tuebingen Variant Classification Criteria Version 2. Collection method: clinical testing. Allele origin: germline. Affected: yes. Observed: 4 variant alleles.
Comment: CACNA1A: PP2, BS1

NC_000019.10:g.13599907C>T

Gene: CACNA1A (calcium voltage-gated channel subunit alpha1 A; minus strand). Cytogenetic location: 19p13.13.
Variant type: single nucleotide variant.
Genome position: GRCh38 VCF-style: chr19-13599907-C-T. GRCh37 (hg19) VCF-style: chr19-13710721-C-T.
Identifiers: ClinVar variation 2672747 (VCV002672747.23), dbSNP rs551856481, ClinGen allele CA305621839.
Genomic context (GRCh38, chr19:13,599,907, plus strand): 5'-GCCTCAGAGGGGGGCCCTCGAAGCAGATGCTGAGCCGGGGAGGCCGAGTGTCCTGCAGGG[C>T]GCTGGGCGTGCCCCGAGCTGCGGTTGTGCAGGGCGTCATAGTAACTGGGGCGCGAGAGCA-3'